The following is an entry in ClinVar:

NM_000368.5(TSC1):c.2269G>C (p.Glu757Gln)

Gene: TSC1 (TSC complex subunit 1; minus strand). Cytogenetic location: 9q34.13.
Variant type: single nucleotide variant.
Coding change: c.2269G>C on transcript NM_000368.5 (MANE Select); coding-DNA position 2269, G replaced by C.
Protein change: p.Glu757Gln; replaces glutamic acid 757 with glutamine.
Molecular consequence: missense variant.
Genome position (GRCh38, 1-based): chr9:132,902,727, C>G on the plus strand (G>C on the coding strand, the complement: TSC1 is on the minus strand). VCF-style: chr9-132902727-C-G. GRCh37 (hg19) VCF-style: chr9-135778114-C-G.
Other names: c.2266G>C, p.Glu756Gln (NM_001162426.2); c.2116G>C, p.Glu706Gln (NM_001162427.2); c.1906G>C, p.Glu636Gln (NM_001362177.2); short protein forms E636Q, E706Q, E756Q, E757Q.
Identifiers: ClinVar variation 1060682 (VCV001060682.9), dbSNP rs1057519319, ClinGen allele CA375359829.

ClinVar aggregate classification (germline): Uncertain significance (1 of 4 stars; one submission).

Conditions:
Tuberous sclerosis 1 (TSC1). Identifiers: Orphanet 805, MedGen C1854465, MONDO:0008612, OMIM 191100.

Submission:

Labcorp Genetics (formerly Invitae), Labcorp
Classification: Uncertain significance for Tuberous sclerosis 1. Last evaluated: 2021-01-27. Review status: criteria provided, single submitter. Criteria: Invitae Variant Classification Sherloc (09022015). Collection method: clinical testing. Allele origin: germline.
Comment: Algorithms developed to predict the effect of missense changes on protein structure and function are either unavailable or do not agree on the potential impact of this missense change (SIFT: "Tolerated"; PolyPhen-2: "Possibly Damaging"; Align-GVGD: "Class C0"). This sequence change replaces glutamic acid with glutamine at codon 757 of the TSC1 protein (p.Glu757Gln). The glutamic acid residue is highly conserved and there is a small physicochemical difference between glutamic acid and glutamine. This variant is not present in population databases (ExAC no frequency). This variant has not been reported in the literature in individuals with TSC1-related conditions. In summary, the available evidence is currently insufficient to determine the role of this variant in disease. Therefore, it has been classified as a Variant of Uncertain Significance.